The following is an entry in ClinVar:

ClinVar aggregate classification (germline): Uncertain significance (1 of 4 stars; one submission).

Allele frequency attached by ClinVar (database versions not stated): gnomAD exomes 0.00001.
gnomAD v4.1: 4 of 1,608,696 alleles (0.00025%); highest among the groups gnomAD compares: Non-Finnish European, 0.00034%; no homozygotes.

Submission:

GeneDx
Classification: Uncertain significance. Last evaluated: 2017-03-11. Review status: criteria provided, single submitter. Criteria: GeneDx Variant Classification (06012015). Collection method: clinical testing. Allele origin: germline. Affected: yes.
Comment: The I889T variant in the PIK3CA gene has not been reported previously as a pathogenic variant, nor as a benign variant, to our knowledge. The I889T variant is not observed in large population cohorts (Lek et al., 2016; 1000 Genomes Consortium et al., 2015; Exome Variant Server). The I889T variant is a non-conservative amino acid substitution, which is likely to impact secondary protein structure as these residues differ in polarity, charge, size and/or other properties. This substitution occurs at a position where amino acids with similar properties to Isoleucine are tolerated across species. In silico analysis is inconsistent in its predictions as to whether or not the variant is damaging to the protein structure/function. We interpret I889T as a variant of uncertain significance

NM_006218.4(PIK3CA):c.2666T>C (p.Ile889Thr)

Gene: PIK3CA (phosphatidylinositol-4,5-bisphosphate 3-kinase catalytic subunit alpha; plus strand). Cytogenetic location: 3q26.32.
Variant type: single nucleotide variant.
Coding change: c.2666T>C on transcript NM_006218.4 (MANE Select); coding-DNA position 2666, T replaced by C.
Protein change: p.Ile889Thr; replaces isoleucine 889 with threonine.
Molecular consequence: missense variant.
Genome position (GRCh38, 1-based): chr3:179,229,442, T>C. VCF-style: chr3-179229442-T-C. GRCh37 (hg19) VCF-style: chr3-178947230-T-C.
Other names: c.2666T>C (LRG_310t1); short protein forms I889T.
Identifiers: ClinVar variation 424179 (VCV000424179.2), dbSNP rs1064796841, ClinGen allele CA16617851.